The following is an entry in ClinVar:

NC_000002.11:g.(?_50765371)_(50850773_?)del

Gene: NRXN1 (neurexin 1; minus strand). Cytogenetic location: 2p16.3.
Variant type: Deletion.
Identifiers: ClinVar variation 2423810 (VCV002423810.4).

ClinVar aggregate classification (germline): Uncertain significance (1 of 4 stars; one submission).

Conditions:
Pitt-Hopkins-like syndrome 2 (PTHSL2). Identifiers: Orphanet 221150, Orphanet 600663, MedGen C3280479, MONDO:0013690, OMIM 614325.

Submission:

Labcorp Genetics (formerly Invitae), Labcorp
Classification: Uncertain significance for Pitt-Hopkins-like syndrome 2. Last evaluated: 2022-07-30. Review status: criteria provided, single submitter. Criteria: Invitae Variant Classification Sherloc (09022015). Collection method: clinical testing. Allele origin: germline.
Comment: Experimental studies and prediction algorithms are not available or were not evaluated, and the functional significance of this variant is currently unknown. This variant is a gross deletion of the genomic region encompassing exon(s) 7-11 of the NRXN1 gene. This variant would be expected to be in-frame, preserving the integrity of the reading frame. This variant has not been reported in the literature in individuals affected with NRXN1-related conditions. In summary, the available evidence is currently insufficient to determine the role of this variant in disease. Therefore, it has been classified as a Variant of Uncertain Significance.